The following is an entry in ClinVar:

NM_001845.6(COL4A1):c.1949C>T (p.Ala650Val)

Gene: COL4A1 (collagen type IV alpha 1 chain; minus strand). Cytogenetic location: 13q34.
Variant type: single nucleotide variant.
Coding change: c.1949C>T on transcript NM_001845.6 (MANE Select); coding-DNA position 1949, C replaced by T.
Protein change: p.Ala650Val; replaces alanine 650 with valine.
Molecular consequence: missense variant.
Genome position (GRCh38, 1-based): chr13:110,183,225, G>A on the plus strand (C>T on the coding strand, the complement: COL4A1 is on the minus strand). VCF-style: chr13-110183225-G-A. GRCh37 (hg19) VCF-style: chr13-110835572-G-A.
Other names: c.1949C>T (NM_001845.4, NM_001845.5); short protein forms A650V.
Identifiers: ClinVar variation 2162935 (VCV002162935.9), dbSNP rs780018659, ClinGen allele CA7047775.

ClinVar aggregate classification (germline): Uncertain significance. Review status: criteria provided, multiple submitters, no conflicts (2 of 4 stars). 5 submissions from 5 submitters: Uncertain significance (5). Last evaluated 2026-09-24.

Conditions:
COL4A1-related disorder. Also called: COL4A1-related condition; COL4A1-related disorders. Identifiers: MedGen CN376119, MONDO:0800461.

Allele frequency attached by ClinVar (database versions not stated): gnomAD 0.00001; gnomAD exomes 0.00001; TOPMed 0.00001; ExAC 0.00001.
gnomAD v4.1: 6 of 1,613,740 alleles (0.00037%); highest among the groups gnomAD compares: Admixed American, 0.0033%; no homozygotes.

Submissions (5):

PreventionGenetics, part of Exact Sciences
Classification: Uncertain significance for COL4A1-related condition. Last evaluated: 2026-09-24. Review status: criteria provided, single submitter. Criteria: ACMG Guidelines, 2015. Collection method: clinical testing. Allele origin: germline.
Comment: The COL4A1 c.1949C>T variant is predicted to result in the amino acid substitution p.Ala650Val. To our knowledge, this variant has not been reported in the literature. This variant is present in 0.0029% of alleles in individuals of Latino descent in gnomAD. At this time, the clinical significance of this variant is uncertain due to the absence of conclusive functional and genetic evidence.

GeneDx
Classification: Uncertain significance. Last evaluated: 2026-04-16. Review status: criteria provided, single submitter. Criteria: GeneDx Variant Classification Process June 2021. Collection method: clinical testing. Allele origin: germline.
Comment: Has not been previously published as pathogenic or benign to our knowledge; Not observed at significant frequency in large population cohorts (gnomAD); In silico analysis suggests that this missense variant does not alter protein structure/function; Occurs in the triple helical domain at the X position in the canonical Gly-X-Y repeat; although this variant may have an effect on normal protein folding and function, missense substitution at the X position is not a common mechanism of disease

Labcorp Genetics (formerly Invitae), Labcorp
Classification: Uncertain significance. Last evaluated: 2025-02-12. Review status: criteria provided, single submitter. Criteria: Invitae Variant Classification Sherloc (09022015). Collection method: clinical testing. Allele origin: germline.
Comment: This sequence change replaces alanine, which is neutral and non-polar, with valine, which is neutral and non-polar, at codon 650 of the COL4A1 protein (p.Ala650Val). This variant is present in population databases (rs780018659, gnomAD 0.003%). This variant has not been reported in the literature in individuals affected with COL4A1-related conditions. ClinVar contains an entry for this variant (Variation ID: 2162935). Invitae Evidence Modeling of protein sequence and biophysical properties (such as structural, functional, and spatial information, amino acid conservation, physicochemical variation, residue mobility, and thermodynamic stability) indicates that this missense variant is not expected to disrupt COL4A1 protein function with a negative predictive value of 95%. In summary, the available evidence is currently insufficient to determine the role of this variant in disease. Therefore, it has been classified as a Variant of Uncertain Significance.

Dasa
Classification: Uncertain significance. Last evaluated: 2025-01-23. Review status: criteria provided, single submitter. Criteria: DASA Assertion Criteria. Collection method: clinical testing. Allele origin: germline.
Comment: NM_001845.6(COL4A1):c.1949C>T (p.Ala650Val) is a missense variant that results in the substitution of alanine with valine. This variant is rare in population databases. The currently available literature and clinical evidence are not sufficient to establish a definitive association between this variant and the reported condition. Therefore, this variant is classified as a variant of uncertain significance.

Blueprint Genetics
Classification: Uncertain significance. Last evaluated: 2022-01-19. Review status: criteria provided, single submitter. Criteria: ACMG Guidelines, 2015. Collection method: clinical testing. Allele origin: germline.